The following is an entry in ClinVar:

ClinVar aggregate classification (germline): Uncertain significance (1 of 4 stars; one submission).

gnomAD v4.1: 6 of 1,551,560 alleles (0.00039%); highest among the groups gnomAD compares: African/African-American, 0.0041%; no homozygotes.

Submission:

GeneDx
Classification: Uncertain significance. Last evaluated: 2023-06-08. Review status: criteria provided, single submitter. Criteria: GeneDx Variant Classification Process June 2021. Collection method: clinical testing. Allele origin: germline. Affected: yes.
Comment: Not observed at significant frequency in large population cohorts (gnomAD); Has not been previously published as pathogenic or benign to our knowledge; Nonsense variant predicted to result in protein truncation or nonsense mediated decay in a gene for which loss of function is not a known mechanism of disease

NM_001367479.1(DNAH14):c.12218T>G (p.Leu4073Ter)

Gene: DNAH14 (dynein axonemal heavy chain 14; plus strand). Cytogenetic location: 1q42.12.
Variant type: single nucleotide variant.
Coding change: c.12218T>G on transcript NM_001367479.1 (MANE Select); coding-DNA position 12218, T replaced by G.
Protein change: p.Leu4073Ter; replaces leucine 4073 with a stop codon.
Molecular consequence: nonsense.
Genome position (GRCh38, 1-based): chr1:225,367,932, T>G. VCF-style: chr1-225367932-T-G. GRCh37 (hg19) VCF-style: chr1-225555634-T-G.
Other names: NM_001373.1:c.11939T>G; short protein forms L4073*.
Identifiers: ClinVar variation 3359549 (VCV003359549.1).
Genomic context (GRCh38, chr1:225,367,932, plus strand): 5'-GAGAGGTAACAGAAGAGATATTTGAAAATCCTGACTGTGGACAATGGTGGAAAAAACTTT[T>G]ATTTAGCCTATGTTTTTTCAATGCTGTAATCAATGAAAGAAAAAATTACGGAATATTGGG-3'